The following is an entry in ClinVar:

ClinVar aggregate classification (germline): Uncertain significance. Review status: criteria provided, multiple submitters, no conflicts (2 of 4 stars). 2 submissions from 2 submitters: Uncertain significance (2). Last evaluated 2026-06-30.

Conditions:
Tuberous sclerosis 2 (TSC2). Identifiers: Orphanet 805, MedGen C1860707, MONDO:0013199, OMIM 613254.
Hereditary cancer-predisposing syndrome. Also called: Hereditary Cancer Syndrome; Hereditary neoplastic syndrome; Neoplastic Syndromes, Hereditary; Tumor predisposition. Identifiers: Orphanet 140162, MedGen C0027672, MeSH D009386, MONDO:0015356.

Submissions (2):

Ambry Genetics
Classification: Uncertain significance for Hereditary cancer-predisposing syndrome. Last evaluated: 2026-06-30. Review status: criteria provided, single submitter. Criteria: Ambry Variant Classification Scheme 2023. Collection method: clinical testing. Allele origin: germline.
Comment: The p.T659I variant (also known as c.1976C>T), located in coding exon 18 of the TSC2 gene, results from a C to T substitution at nucleotide position 1976. The threonine at codon 659 is replaced by isoleucine, an amino acid with similar properties. This amino acid position is poorly conserved in available vertebrate species. In addition, the in silico prediction for this alteration is inconclusive. Based on the available evidence, the clinical significance of this variant remains unclear.

Labcorp Genetics (formerly Invitae), Labcorp
Classification: Uncertain significance for Tuberous sclerosis 2. Last evaluated: 2022-11-23. Review status: criteria provided, single submitter. Criteria: Invitae Variant Classification Sherloc (09022015). Collection method: clinical testing. Allele origin: germline.
Comment: In summary, the available evidence is currently insufficient to determine the role of this variant in disease. Therefore, it has been classified as a Variant of Uncertain Significance. Advanced modeling of protein sequence and biophysical properties (such as structural, functional, and spatial information, amino acid conservation, physicochemical variation, residue mobility, and thermodynamic stability) performed at Invitae indicates that this missense variant is not expected to disrupt TSC2 protein function. This variant has not been reported in the literature in individuals affected with TSC2-related conditions. This variant is not present in population databases (gnomAD no frequency). This sequence change replaces threonine, which is neutral and polar, with isoleucine, which is neutral and non-polar, at codon 659 of the TSC2 protein (p.Thr659Ile).

NM_000548.5(TSC2):c.1976C>T (p.Thr659Ile)

Gene: TSC2 (TSC complex subunit 2; plus strand). Cytogenetic location: 16p13.3.
Variant type: single nucleotide variant.
Coding change: c.1976C>T on transcript NM_000548.5 (MANE Select); coding-DNA position 1976, C replaced by T.
Protein change: p.Thr659Ile; replaces threonine 659 with isoleucine.
Molecular consequence: missense variant. On other transcripts: non-coding transcript variant (5).
Genome position (GRCh38, 1-based): chr16:2,071,813, C>T. VCF-style: chr16-2071813-C-T. GRCh37 (hg19) VCF-style: chr16-2121814-C-T.
Other names: c.1376C>T, p.Thr459Ile (NM_001406686.1, NM_001406687.1, NM_001406688.1 and 6 more transcripts); c.632C>T, p.Thr211Ile (NM_001406689.1, NM_001406690.1, NM_001406691.1 and 6 more transcripts); c.374C>T, p.Thr125Ile (NM_001406698.1); c.1976C>T, p.Thr659Ile (NM_021055.3, NM_001077183.3, NM_001114382.3 and 6 more transcripts); c.1865C>T, p.Thr622Ile (NM_001318827.2, NM_001406670.1, NM_001406678.1); c.1829C>T, p.Thr610Ile (NM_001318829.2, NM_001406675.1, NM_001406676.1 and 1 more transcripts); c.2009C>T, p.Thr670Ile (NM_001318832.2); c.2066C>T, p.Thr689Ile (NM_001406667.1, NM_001406668.1); and 3 more; short protein forms T125I, T459I, T505I, T670I, T689I, T655I, T659I, T211I.
Identifiers: ClinVar variation 2816068 (VCV002816068.4), dbSNP rs755847664, ClinGen allele CA394274359.
Genomic context (GRCh38, chr16:2,071,813, plus strand): 5'-TTGGCCTCAGCTGCTTCTCTTGCTTCTGCAGGGAGCCAGAGAGAGGCTCTGAGAAGAAGA[C>T]CAGCGGCCCCCTTTCTCCTCCCACAGGGCCTCCTGGCCCGGCGCCTGCAGGCCCCGCCGT-3'
Protein context (NP_000539.2, residues 649-669): MEPERGSEKK[Thr659Ile]SGPLSPPTGP